The following is an entry in ClinVar:

ClinVar aggregate classification (germline): Uncertain significance. Review status: criteria provided, multiple submitters, no conflicts (2 of 4 stars). 3 submissions from 3 submitters: Uncertain significance (3). Last evaluated 2024-07-22.

Allele frequency attached by ClinVar (database versions not stated): gnomAD 0.00001 and 0.00003; ExAC 0.00005; gnomAD exomes 0.00005; TOPMed 0.00009; 1000 Genomes Project 30x 0.00016; 1000 Genomes Project 0.00020.
gnomAD v4.1: 102 of 1,613,982 alleles (0.0063%); highest among the groups gnomAD compares: East Asian, 0.018%; no homozygotes.

Submissions (3):

Labcorp Genetics (formerly Invitae), Labcorp
Classification: Uncertain significance. Last evaluated: 2024-07-22. Review status: criteria provided, single submitter. Criteria: Invitae Variant Classification Sherloc (09022015). Collection method: clinical testing. Allele origin: germline.
Comment: This sequence change replaces arginine, which is basic and polar, with glutamine, which is neutral and polar, at codon 398 of the ARSG protein (p.Arg398Gln). This variant is present in population databases (rs570153124, gnomAD 0.02%). This variant has not been reported in the literature in individuals affected with ARSG-related conditions. ClinVar contains an entry for this variant (Variation ID: 954298). Advanced modeling of protein sequence and biophysical properties (such as structural, functional, and spatial information, amino acid conservation, physicochemical variation, residue mobility, and thermodynamic stability) performed at Invitae indicates that this missense variant is not expected to disrupt ARSG protein function with a negative predictive value of 80%. In summary, the available evidence is currently insufficient to determine the role of this variant in disease. Therefore, it has been classified as a Variant of Uncertain Significance.

Ambry Genetics
Classification: Uncertain significance. Last evaluated: 2024-04-08. Review status: criteria provided, single submitter. Criteria: Ambry Variant Classification Scheme 2023. Collection method: clinical testing. Allele origin: germline.

Blueprint Genetics
Classification: Uncertain significance. Last evaluated: 2020-12-03. Review status: criteria provided, single submitter. Criteria: ACMG Guidelines, 2015. Collection method: clinical testing. Allele origin: germline.

NM_001267727.2(ARSG):c.1193G>A (p.Arg398Gln)

Gene: ARSG (arylsulfatase G; plus strand). Cytogenetic location: 17q24.2.
Variant type: single nucleotide variant.
Coding change: c.1193G>A on transcript NM_001267727.2 (MANE Select); coding-DNA position 1193, G replaced by A.
Protein change: p.Arg398Gln; replaces arginine 398 with glutamine.
Molecular consequence: missense variant.
Genome position (GRCh38, 1-based): chr17:68,395,174, G>A. VCF-style: chr17-68395174-G-A. GRCh37 (hg19) VCF-style: chr17-66391315-G-A.
Other names: c.1190G>A, p.Arg397Gln (NM_001352904.2, NM_001352905.2, NM_001352906.2 and 2 more transcripts); c.1145G>A, p.Arg382Gln (NM_001352909.2); c.1193G>A, p.Arg398Gln (NM_001352910.2, NM_014960.5, NM_001352899.2 and 3 more transcripts); c.1193G>A (NM_014960.3); short protein forms R382Q, R398Q, R397Q.
Identifiers: ClinVar variation 954298 (VCV000954298.11), dbSNP rs570153124, ClinGen allele CA8728510.